The following is an entry in ClinVar:

ClinVar aggregate classification (germline): Pathogenic/Likely pathogenic. Review status: criteria provided, multiple submitters, no conflicts (2 of 4 stars). 2 submissions from 2 submitters: Pathogenic (1); Likely pathogenic (1). Last evaluated 2025-08-04.

Conditions:
Retinitis pigmentosa 25 (RP25). Identifiers: Orphanet 791, MedGen C1864446, MONDO:0011272, OMIM 602772.

Submissions (2):

Labcorp Genetics (formerly Invitae), Labcorp
Classification: Pathogenic. Last evaluated: 2025-08-04. Review status: criteria provided, single submitter. Criteria: Invitae Variant Classification Sherloc (09022015). Collection method: clinical testing. Allele origin: germline.
Comment: This sequence change creates a premature translational stop signal (p.Gln832*) in the EYS gene. It is expected to result in an absent or disrupted protein product. Loss-of-function variants in EYS are known to be pathogenic (PMID: 18836446, 20333770). This variant is not present in population databases (gnomAD no frequency). This variant has not been reported in the literature in individuals affected with EYS-related conditions. ClinVar contains an entry for this variant (Variation ID: 3594083). For these reasons, this variant has been classified as Pathogenic.

Fulgent Genetics
Classification: Likely pathogenic for Retinitis pigmentosa 25. Last evaluated: 2024-03-28. Review status: criteria provided, single submitter. Criteria: ACMG Guidelines, 2015. Collection method: clinical testing. Allele origin: germline.

Literature cited by the submitters: PubMed 18836446 (cited by Labcorp Genetics (formerly Invitae), Labcorp); PubMed 20333770 (cited by Labcorp Genetics (formerly Invitae), Labcorp).

NM_001142800.2(EYS):c.2494C>T (p.Gln832Ter)

Gene: EYS (EGF-like photoreceptor maintenance factor; minus strand). Cytogenetic location: 6q12.
Variant type: single nucleotide variant.
Coding change: c.2494C>T on transcript NM_001142800.2 (MANE Select); coding-DNA position 2494, C replaced by T.
Protein change: p.Gln832Ter; replaces glutamine 832 with a stop codon.
Molecular consequence: nonsense.
Genome position (GRCh38, 1-based): chr6:64,912,631, G>A on the plus strand (C>T on the coding strand, the complement: EYS is on the minus strand). VCF-style: chr6-64912631-G-A. GRCh37 (hg19) VCF-style: chr6-65622524-G-A.
Other names: c.2494C>T, p.Gln832Ter (NM_001292009.2); short protein forms Q832*.
Identifiers: ClinVar variation 3594083 (VCV003594083.2).